The following is an entry in ClinVar:

ClinVar aggregate classification (germline): Uncertain significance. Review status: criteria provided, multiple submitters, no conflicts (2 of 4 stars). 2 submissions from 2 submitters: Uncertain significance (2). Last evaluated 2025-12-29.

Conditions:
Pulmonary fibrosis and/or bone marrow failure, Telomere-related, 3. Also called: PULMONARY FIBROSIS AND/OR BONE MARROW FAILURE SYNDROME, TELOMERE-RELATED, 3. Identifiers: Orphanet 2032, MedGen C4225346, MONDO:0014613, OMIM 616373.
Dyskeratosis congenita, autosomal recessive 5 (DKCB5). Identifiers: MedGen C3554656, MONDO:0014076, OMIM 615190.
Inborn genetic diseases. Identifiers: MedGen C0950123, MeSH D030342.

Allele frequency attached by ClinVar (database versions not stated): ExAC 0.00001.

Submissions (2):

Ambry Genetics
Classification: Uncertain significance for Inborn genetic diseases. Last evaluated: 2025-12-29. Review status: criteria provided, single submitter. Criteria: Ambry Variant Classification Scheme 2023. Collection method: clinical testing. Allele origin: germline.
Comment: The p.P992S variant (also known as c.2974C>T), located in coding exon 29 of the RTEL1 gene, results from a C to T substitution at nucleotide position 2974. The proline at codon 992 is replaced by serine, an amino acid with similar properties. This amino acid position is conserved. In addition, this alteration is predicted to be tolerated by in silico analysis. Based on the available evidence, the clinical significance of this variant remains unclear.

Labcorp Genetics (formerly Invitae), Labcorp
Classification: Uncertain significance for Dyskeratosis congenita, autosomal recessive 5; Pulmonary fibrosis and/or bone marrow failure, Telomere-related, 3. Last evaluated: 2023-08-25. Review status: criteria provided, single submitter. Criteria: Invitae Variant Classification Sherloc (09022015). Collection method: clinical testing. Allele origin: germline.
Comment: This sequence change replaces proline, which is neutral and non-polar, with serine, which is neutral and polar, at codon 992 of the RTEL1 protein (p.Pro992Ser). In summary, the available evidence is currently insufficient to determine the role of this variant in disease. Therefore, it has been classified as a Variant of Uncertain Significance. Algorithms developed to predict the effect of missense changes on protein structure and function output the following: SIFT: "Not Available"; PolyPhen-2: "Benign"; Align-GVGD: "Not Available". The serine amino acid residue is found in multiple mammalian species, which suggests that this missense change does not adversely affect protein function. ClinVar contains an entry for this variant (Variation ID: 2153295). This variant has not been reported in the literature in individuals affected with RTEL1-related conditions. This variant is present in population databases (rs769512994, gnomAD 0.0009%).

NM_001283009.2(RTEL1):c.2974C>T (p.Pro992Ser)

Genes: RTEL1 (regulator of telomere elongation helicase 1; plus strand), RTEL1-TNFRSF6B (RTEL1-TNFRSF6B readthrough (NMD candidate); plus strand). Cytogenetic location: 20q13.33.
Variant type: single nucleotide variant.
Coding change: c.2974C>T on transcript NM_001283009.2 (MANE Select); coding-DNA position 2974, C replaced by T.
Protein change: p.Pro992Ser; replaces proline 992 with serine.
Molecular consequence: missense variant. On other transcripts: non-coding transcript variant (1).
Genome position (GRCh38, 1-based): chr20:63,693,265, C>T. VCF-style: chr20-63693265-C-T. GRCh37 (hg19) VCF-style: chr20-62324618-C-T.
Other names: c.2305C>T, p.Pro769Ser (NM_001283010.1); c.2974C>T, p.Pro992Ser (NM_016434.4); c.3046C>T, p.Pro1016Ser (NM_032957.5); short protein forms P1016S, P769S, P992S.
Identifiers: ClinVar variation 2153295 (VCV002153295.5), dbSNP rs769512994, ClinGen allele CA9965683.
Genomic context (GRCh38, chr20:63,693,265, plus strand): 5'-ACAGGACGAGGCTGTGGCTATCGGCCTGAGCACAGCATTCCCCGAAGGCAGCGGGCACAG[C>T]CGGTCCTGGACCCCACTGGTAAATGGGGCCCCAGGTGGGACCCTCAGACTCCTGCGTGGA-3'
Protein context (NP_001269938.1, residues 982-1002): HSIPRRQRAQ[Pro992Ser]VLDPTGRTAP